The following is an entry in ClinVar:

NM_004385.5(VCAN):c.4234A>C (p.Asn1412His)

Genes: VCAN (versican; plus strand), VCAN-AS1 (VCAN antisense RNA 1; minus strand). Cytogenetic location: 5q14.3.
Variant type: single nucleotide variant.
Coding change: c.4234A>C on transcript NM_004385.5 (MANE Select); coding-DNA position 4234, A replaced by C.
Protein change: p.Asn1412His; replaces asparagine 1412 with histidine.
Molecular consequence: missense variant. On other transcripts: intron variant (2).
Genome position (GRCh38, 1-based): chr5:83,537,237, A>C. VCF-style: chr5-83537237-A-C. GRCh37 (hg19) VCF-style: chr5-82833056-A-C.
Other names: c.1273A>C, p.Asn425His (NM_001164097.2); c.4004-8300A>C (NM_001164098.2); c.1043-8300A>C (NM_001126336.3); short protein forms N425H, N1412H.
Identifiers: ClinVar variation 1936518 (VCV001936518.5), dbSNP rs1418649932, ClinGen allele CA360307810.

ClinVar aggregate classification (germline): Uncertain significance (1 of 4 stars; one submission).

Allele frequency attached by ClinVar (database versions not stated): TOPMed 0.00002.

Submission:

Labcorp Genetics (formerly Invitae), Labcorp
Classification: Uncertain significance. Last evaluated: 2022-09-26. Review status: criteria provided, single submitter. Criteria: Invitae Variant Classification Sherloc (09022015). Collection method: clinical testing. Allele origin: germline.
Comment: Algorithms developed to predict the effect of missense changes on protein structure and function are either unavailable or do not agree on the potential impact of this missense change (SIFT: "Deleterious"; PolyPhen-2: "Probably Damaging"; Align-GVGD: "Class C0"). This sequence change replaces asparagine, which is neutral and polar, with histidine, which is basic and polar, at codon 1412 of the VCAN protein (p.Asn1412His). This variant is not present in population databases (gnomAD no frequency). This variant has not been reported in the literature in individuals affected with VCAN-related conditions. In summary, the available evidence is currently insufficient to determine the role of this variant in disease. Therefore, it has been classified as a Variant of Uncertain Significance.